The following is an entry in ClinVar:

ClinVar aggregate classification (germline): Conflicting classifications of pathogenicity. Review status: criteria provided, conflicting classifications (1 of 4 stars). 15 submissions from 15 submitters: Uncertain significance (12); Benign (1). 2 of the submissions do not count toward it. Last evaluated 2025-12-16.

Conditions:
BRCA2-related cancer predisposition. Identifiers: MedGen CN377758, MONDO:0700269.
Hereditary cancer-predisposing syndrome. Also called: Tumor predisposition; Hereditary neoplastic syndrome; Neoplastic Syndromes, Hereditary; Hereditary Cancer Syndrome. Identifiers: Orphanet 140162, MedGen C0027672, MeSH D009386, MONDO:0015356.
Hereditary breast ovarian cancer syndrome. Also called: Hereditary breast and ovarian cancer syndrome (HBOC); Hereditary breast and ovarian cancer; Hereditary breast and ovarian cancer syndrome; Breast and ovarian cancer; Hereditary breast and/or ovarian cancer syndrome; BRCA1- and BRCA2-Associated Hereditary Breast and Ovarian Cancer. Identifiers: Orphanet 145, MedGen C0677776, MeSH D061325, MONDO:0003582. Disease mechanism: loss of function.
Breast-ovarian cancer, familial, susceptibility to, 2 (BROVCA2). Also called: BRCA2 Hereditary Breast and Ovarian Cancer. Identifiers: Orphanet 145, MedGen C2675520, MONDO:0012933, OMIM 612555. Disease mechanism: loss of function.
Familial cancer of breast. Also called: Hereditary breast cancer; hereditary breast carcinoma; BREAST CANCER, FAMILIAL. Identifiers: Orphanet 227535, MedGen C0346153, MONDO:0016419, OMIM 114480. Disease mechanism: loss of function.

Submissions 1 to 10 of 15:

Women's Health and Genetics/Laboratory Corporation of America, LabCorp
Classification: Uncertain significance. Last evaluated: 2025-12-16. Review status: criteria provided, single submitter. Criteria: LabCorp Variant Classification Summary - May 2015. Collection method: clinical testing. Allele origin: germline.
Comment: Variant summary: BRCA2 c.4037_4043delinsT (p.Thr1346_Cys1348delinsIle) results in an in-frame deletion-insertion that is predicted to delete three amino acids from the protein and substitute them for an Isoleucine residue. The variant allele was found at a frequency of 1e-05 in 1596582 control chromosomes. This frequency is not significantly higher than estimated for disease-causing variants in BRCA2, allowing no conclusion about variant significance. c.4037_4043delinsT has been reported in the literature as c.4265del7insT in at least one individual from a reportedly high-risk HBOC family with a calculated posterior probability of being deleterious of 0.46 (Zhou_2005) and in at least one individual undergoing multigene panel testing for a personal and/or family history of cancer (Li_2019). These reports do not provide unequivocal conclusions about association of the variant with Hereditary Breast And Ovarian Cancer Syndrome. To our knowledge, no experimental evidence demonstrating an impact on protein function has been reported. The following publications have been ascertained in the context of this evaluation (PMID: 18418466, 31853058). ClinVar contains an entry for this variant (Variation ID: 126035). Based on the evidence outlined above, the variant was classified as uncertain significance.

Quest Diagnostics Nichols Institute San Juan Capistrano
Classification: Uncertain significance. Last evaluated: 2025-10-03. Review status: criteria provided, single submitter. Criteria: Quest Diagnostics criteria. Collection method: clinical testing. Allele origin: unknown.
Comment: The BRCA2 c.4037_4043delinsT (p.Thr1346_Cys1348delinsIle) variant has been reported in the published literature in individuals with a family history of breast and/or ovarian cancer and was predicted to have a moderate association with disease using a Bayesian hierarchical model (PMID: 18418466 (2005)). This variant has not been reported in large, multi-ethnic general populations (Genome Aggregation Database). Based on the available information, we are unable to determine the clinical significance of this variant.

Labcorp Genetics (formerly Invitae), Labcorp
Classification: Uncertain significance for Hereditary breast ovarian cancer syndrome. Last evaluated: 2025-09-24. Review status: criteria provided, single submitter. Criteria: Invitae Variant Classification Sherloc (09022015). Collection method: clinical testing. Allele origin: germline.
Comment: This variant, c.4037_4043delinsT, is a complex sequence change that results in the deletion of 3 and insertion of 1 amino acid(s) in the BRCA2 protein (p.Thr1346_Cys1348delinsIle). Information on the frequency of this variant in the gnomAD database is not available, as this variant may be reported differently in the database. This variant has been observed in individual(s) with a personal and/or family history of breast and/or ovarian cancer (PMID: 18418466). This variant is also known as 4265del7insT. Experimental studies and prediction algorithms are not available or were not evaluated, and the functional significance of this variant is currently unknown. In summary, the available evidence is currently insufficient to determine the role of this variant in disease. Therefore, it has been classified as a Variant of Uncertain Significance.

Myriad Genetics, Inc.
Classification: Benign for Breast-ovarian cancer, familial, susceptibility to, 2. Last evaluated: 2025-09-12. Review status: criteria provided, single submitter. Criteria: Myriad Autosomal Dominant, Autosomal Recessive and X-Linked Classification Criteria (2023). Collection method: clinical testing. Allele origin: unknown.
Comment: This variant is considered benign. This variant is strongly associated with less severe personal and family histories of cancer, typical for individuals without pathogenic variants in this gene [PMID: 25085752]. This variant has been observed in trans with a known pathogenic variant in one or more individuals lacking clinical features consistent with gene-specific recessive disease.

Ambry Genetics
Classification: Uncertain significance for Hereditary cancer-predisposing syndrome. Last evaluated: 2025-07-23. Review status: criteria provided, single submitter. Criteria: Ambry Variant Classification Scheme 2023. Collection method: clinical testing. Allele origin: germline.
Comment: The c.4037_4043delCTGTTTGinsT variant (also known as p.T1346_C1348delinsI), located in coding exon 10 of the BRCA2 gene, results from a deletion of 7 nucleotides and the insertion of 1 nucleotide between positions 4037 and 4043. This results in the threonine at codon 1346 being replaced by isoleucine, and the deletion of valine and cysteine residues at codons 1347 and 1348. This alteration is located in the BRC repeat domain of the BRCA2 gene, which is important for the binding of RAD51 and subsequent DNA repair. In addition, this alteration is predicted to be deleterious by in silico analysis (Choi Y et al. PLoS ONE. 2012; 7(10):e46688). This nucleotide region is generally not well conserved in available vertebrate species. Since supporting evidence is limited at this time, the clinical significance of this alteration remains unclear.

CeGaT Center for Human Genetics Tuebingen
Classification: Uncertain significance. Last evaluated: 2025-07-01. Review status: criteria provided, single submitter. Criteria: CeGaT Center For Human Genetics Tuebingen Variant Classification Criteria Version 2. Collection method: clinical testing. Allele origin: germline. Affected: yes. Observed: 1 variant allele.
Comment: BRCA2: PM2, PM4

Color Diagnostics, LLC DBA Color Health
Classification: Uncertain significance for Hereditary cancer-predisposing syndrome. Last evaluated: 2024-05-24. Review status: criteria provided, single submitter. Criteria: ACMG Guidelines, 2015. Collection method: clinical testing. Allele origin: germline.
Comment: This variant causes an in-frame deletion of three amino acids, threonine 1346, valine 1347 and cysteine 1348, and replaces them with a single isoleucine in the BRCA2 protein. To our knowledge, functional studies have not been performed for this variant. This variant has been reported in at least one individual at risk for breast and ovarian cancer (PMID: 18418466). This variant has not been identified in the general population by the Genome Aggregation Database (gnomAD). The available evidence is insufficient to determine the role of this variant in disease conclusively. Therefore, this variant is classified as a Variant of Uncertain Significance.

GeneDx
Classification: Uncertain significance. Last evaluated: 2023-10-08. Review status: criteria provided, single submitter. Criteria: GeneDx Variant Classification Process June 2021. Collection method: clinical testing. Allele origin: germline. Affected: yes.
Comment: In-frame deletion of 3 amino acids and insertion of 1 amino acid in a non-repeat region; Observed in an individual with a personal and/or family history of breast and ovarian cancer (Zhou et al., 2005); Not observed at significant frequency in large population cohorts (gnomAD); In silico analysis supports a deleterious effect on protein structure/function; Also known as 4265_4271delCTGTTTGinsT and 4265del7insT; This variant is associated with the following publications: (PMID: 18418466)

All of Us Research Program, National Institutes of Health
Classification: Uncertain significance for Breast-ovarian cancer, familial, susceptibility to, 2. Last evaluated: 2023-07-10. Review status: criteria provided, single submitter. Criteria: ACMG Guidelines, 2015. Collection method: clinical testing. Allele origin: germline. Inheritance: Autosomal dominant inheritance. Observed: 1 variant allele, 1 heterozygote.
Comment: This variant causes an in-frame deletion of three amino acids, threonine 1346, valine 1347 and cysteine 1348, and replaces them with isoleucine in the BRCA2 protein. To our knowledge, functional studies have not been performed for this variant. This variant has been reported in at least one individual at risk for breast and ovarian cancer (PMID: 18418466). This variant has not been identified in the general population by the Genome Aggregation Database (gnomAD). The available evidence is insufficient to determine the role of this variant in disease conclusively. Therefore, this variant is classified as a Variant of Uncertain Significance.

This study involves interpretation of variants in research participants for the purpose of population health screening. Participant phenotype was not available at the time of variant classification. Additional details can be found in publication PMID: 35346344, PMCID: PMC8962531

Baylor Genetics
Classification: Uncertain significance for Familial cancer of breast. Last evaluated: 2022-11-12. Review status: criteria provided, single submitter. Criteria: ACMG Guidelines, 2015. Collection method: clinical testing. Allele origin: unknown.

NM_000059.4(BRCA2):c.4037_4043delinsT (p.Thr1346_Cys1348delinsIle)

Gene: BRCA2 (BRCA2 DNA repair associated; plus strand). Cytogenetic location: 13q13.1.
Variant type: Indel.
Coding change: c.4037_4043delinsT on transcript NM_000059.4 (MANE Select); coding-DNA positions 4037 to 4043, CTGTTTG replaced by T.
Protein change: p.Thr1346_Cys1348delinsIle.
Genome position (GRCh38, 1-based): chr13:32,338,392-32,338,398, CTGTTTG replaced by T. VCF-style: chr13-32338392-CTGTTTG-T. GRCh37 (hg19) VCF-style: chr13-32912529-CTGTTTG-T.
Other names: TVC1346delTVCinsI; 4265del7INST; c.4037_4043delCTGTTTGinsT (NM_000059.3).
Identifiers: ClinVar variation 126035 (VCV000126035.43), dbSNP rs276174841, ClinGen allele CA019417.